The following is an entry in ClinVar:

NM_001113378.2(FANCI):c.2398A>G (p.Thr800Ala)

Gene: FANCI (FA complementation group I; plus strand). Cytogenetic location: 15q26.1.
Variant type: single nucleotide variant.
Coding change: c.2398A>G on transcript NM_001113378.2 (MANE Select); coding-DNA position 2398, A replaced by G.
Protein change: p.Thr800Ala; replaces threonine 800 with alanine.
Molecular consequence: missense variant.
Genome position (GRCh38, 1-based): chr15:89,293,939, A>G. VCF-style: chr15-89293939-A-G. GRCh37 (hg19) VCF-style: chr15-89837170-A-G.
Other names: c.2119A>G, p.Thr707Ala (NM_001376910.1); c.2398A>G, p.Thr800Ala (NM_001376911.1, NM_018193.3); short protein forms T800A, T707A.
Identifiers: ClinVar variation 953291 (VCV000953291.7), dbSNP rs1163712614, ClinGen allele CA393750329.

ClinVar aggregate classification (germline): Uncertain significance (1 of 4 stars; one submission).

Conditions:
Fanconi anemia (FA). Also called: Fanconi's anemia. Identifiers: Orphanet 84, MedGen C0015625, MeSH D005199, MONDO:0019391.

Allele frequency attached by ClinVar (database versions not stated): gnomAD exomes below 0.00001.

Submission:

Labcorp Genetics (formerly Invitae), Labcorp
Classification: Uncertain significance for Fanconi anemia. Last evaluated: 2021-08-30. Review status: criteria provided, single submitter. Criteria: Invitae Variant Classification Sherloc (09022015). Collection method: clinical testing. Allele origin: germline.
Comment: This sequence change replaces threonine with alanine at codon 800 of the FANCI protein (p.Thr800Ala). The threonine residue is weakly conserved and there is a small physicochemical difference between threonine and alanine. This variant is not present in population databases (ExAC no frequency). This variant has not been reported in the literature in individuals affected with FANCI-related conditions. Algorithms developed to predict the effect of missense changes on protein structure and function output the following: SIFT: "Tolerated"; PolyPhen-2: "Benign"; Align-GVGD: "Class C0". The alanine amino acid residue is found in multiple mammalian species, which suggests that this missense change does not adversely affect protein function. In summary, the available evidence is currently insufficient to determine the role of this variant in disease. Therefore, it has been classified as a Variant of Uncertain Significance.